The following is an entry in ClinVar:

ClinVar aggregate classification (germline): Pathogenic. Review status: criteria provided, multiple submitters, no conflicts (2 of 4 stars). 6 submissions from 6 submitters: Pathogenic (4). 2 of the submissions do not count toward it. Last evaluated 2026-01-21.

Conditions:
Mucopolysaccharidosis, MPS-IV-B (MPS4B). Also called: Mucopolysaccharidosis type IV B; Mucopolysaccharidosis Type IVB; Mucopolysaccharidosis Type IVB (Morquio B Disease); MORQUIO SYNDROME B; Mucopolysaccharidosis type 4B; Mucopolysaccharidosis type IVB (Morquio). Identifiers: Orphanet 309310, Orphanet 582, MedGen C0086652, MONDO:0009660, OMIM 253010.
GM1 gangliosidosis. Identifiers: Orphanet 354, MedGen C0085131, MONDO:0018149.
Infantile GM1 gangliosidosis. Also called: Gangliosidosis, Generalized GM1, Type 1; GM1-gangliosidosis, type I; Gangliosidosis, generalized GM1, infantile form; GLB1 deficiency; GM1 gangliosidosis type 1. Identifiers: Orphanet 354, Orphanet 79255, MedGen C0268271, MONDO:0009260, OMIM 230500.
GM1 gangliosidosis type 2. Also called: Gangliosidosis, Generalized GM1, Type 2; Juvenile GM>1< gangliosidosis; GM1-GANGLIOSIDOSIS, TYPE II; GANGLIOSIDOSIS, GENERALIZED GM1, JUVENILE TYPE; GANGLIOSIDOSIS, GENERALIZED GM1, TYPE II. Identifiers: Orphanet 354, Orphanet 79256, MedGen C0268272, MONDO:0009261, OMIM 230600.
GM1 gangliosidosis type 3. Also called: Gangliosidosis, Generalized GM1, Type 3; Beta-galactosidase deficiency; Adult GM1 gangliosidosis; Type 3 (adult) GM1 gangliosidosis; GM1-GANGLIOSIDOSIS, TYPE III; GANGLIOSIDOSIS, GENERALIZED GM1, ADULT TYPE. Identifiers: Orphanet 79257, MedGen C0268273, MONDO:0009262, OMIM 230650.

Allele frequency attached by ClinVar (database versions not stated): gnomAD exomes 0.00003; gnomAD 0.00005 and 0.00006; TOPMed 0.00007; ESP Exome Variant Server 0.00008.
gnomAD v4.1: 22 of 1,573,934 alleles (0.0014%); highest among the groups gnomAD compares: Non-Finnish European, 0.0018%; no homozygotes.

Submissions (6):

Labcorp Genetics (formerly Invitae), Labcorp
Classification: Pathogenic for Mucopolysaccharidosis, MPS-IV-B; GM1 gangliosidosis. Last evaluated: 2026-01-21. Review status: criteria provided, single submitter. Criteria: Invitae Variant Classification Sherloc (09022015). Collection method: clinical testing. Allele origin: germline.
Comment: This sequence change replaces leucine, which is neutral and non-polar, with arginine, which is basic and polar, at codon 155 of the GLB1 protein (p.Leu155Arg). This variant is present in population databases (rs376710410, gnomAD 0.006%). This missense change has been observed in individual(s) with GM1-gangliosidosis, type I (PMID: 17309651, 19472408, 20175788, 25557439). ClinVar contains an entry for this variant (Variation ID: 265179). Invitae Evidence Modeling of protein sequence and biophysical properties (such as structural, functional, and spatial information, amino acid conservation, physicochemical variation, residue mobility, and thermodynamic stability) indicates that this missense variant is expected to disrupt GLB1 protein function with a positive predictive value of 95%. Experimental studies have shown that this missense change affects GLB1 function (PMID: 19472408). For these reasons, this variant has been classified as Pathogenic.

Natera, Inc.
Classification: Pathogenic for Mucopolysaccharidosis, MPS-IV-B. Last evaluated: 2025-10-27. Review status: criteria provided, single submitter. Criteria: Natera Variant Classification Schema (03/2026). Collection method: clinical testing. Allele origin: germline.
Comment: The c.464T>G variant in GLB1 is a missense variant predicted to cause substitution of leucine to arginine at amino acid 155. This variant is rare in the general population with a frequency below the threshold expected for the associated phenotype(s). This variant has been observed in one or more individuals affected with the associated recessive disease, as either homozygous or compound heterozygous with a second variant (PMID: 17309651, 25557439, 20175788). Given the available evidence, this variant is classified as Pathogenic.

Fulgent Genetics
Classification: Pathogenic for Infantile GM1 gangliosidosis; GM1 gangliosidosis type 2; GM1 gangliosidosis type 3; Mucopolysaccharidosis, MPS-IV-B. Last evaluated: 2024-05-22. Review status: criteria provided, single submitter. Criteria: ACMG Guidelines, 2015. Collection method: clinical testing. Allele origin: germline.

GeneDx
Classification: Pathogenic. Last evaluated: 2023-02-08. Review status: criteria provided, single submitter. Criteria: GeneDx Variant Classification Process June 2021. Collection method: clinical testing. Allele origin: germline. Affected: yes.
Comment: Published functional studies found L155R is associated with significantly reduced beta-galactosidase activity (Hofer et al., 2009); Not observed at a significant frequency in large population cohorts (gnomAD); In silico analysis, which includes protein predictors and evolutionary conservation, supports a deleterious effect; This variant is associated with the following publications: (PMID: 17309651, 19472408, 20175788, 31761138, 33240792)

Mayo Clinic Laboratories, Mayo Clinic
Classification: Likely pathogenic. Last evaluated: 2017-05-31. Review status: no assertion criteria provided. Collection method: clinical testing. Allele origin: unknown. Not counted in ClinVar's aggregate classification.

Counsyl
Classification: Likely pathogenic for Mucopolysaccharidosis, MPS-IV-B. Last evaluated: 2017-03-02. Review status: no assertion criteria provided. Collection method: clinical testing. Allele origin: unknown. Not counted in ClinVar's aggregate classification.

Literature cited by the submitters: PubMed 17309651 (cited by 3 submitters); PubMed 19472408 (cited by Labcorp Genetics (formerly Invitae), Labcorp and Counsyl); PubMed 20175788 (cited by 3 submitters); PubMed 25557439 (cited by 3 submitters); PubMed 21520340 (cited by Counsyl).

NM_000404.4(GLB1):c.464T>G (p.Leu155Arg)

Gene: GLB1 (galactosidase beta 1; minus strand). Cytogenetic location: 3p22.3.
Variant type: single nucleotide variant.
Coding change: c.464T>G on transcript NM_000404.4 (MANE Select); coding-DNA position 464, T replaced by G.
Protein change: p.Leu155Arg; replaces leucine 155 with arginine.
Molecular consequence: missense variant. On other transcripts: synonymous variant (1).
Genome position (GRCh38, 1-based): chr3:33,065,551, A>C on the plus strand (T>G on the coding strand, the complement: GLB1 is on the minus strand). VCF-style: chr3-33065551-A-C. GRCh37 (hg19) VCF-style: chr3-33107043-A-C.
Other names: c.464T>G (NM_000404.3); c.374T>G, p.Leu125Arg (NM_001079811.3); c.252T>G, p.Pro84= (NM_001135602.3); c.608T>G, p.Leu203Arg (NM_001317040.2); c.464T>G, p.Leu155Arg (NM_001393580.1); short protein forms L155R, L203R, L125R.
Identifiers: ClinVar variation 265179 (VCV000265179.23), dbSNP rs376710410, ClinGen allele CA10588356.